The following is an entry in ClinVar:

NM_000487.6(ARSA):c.841A>G (p.Thr281Ala)

Gene: ARSA (arylsulfatase A; minus strand). Cytogenetic location: 22q13.33.
Variant type: single nucleotide variant.
Coding change: c.841A>G on transcript NM_000487.6 (MANE Select); coding-DNA position 841, A replaced by G.
Protein change: p.Thr281Ala; replaces threonine 281 with alanine.
Molecular consequence: missense variant.
Genome position (GRCh38, 1-based): chr22:50,626,604, T>C on the plus strand (A>G on the coding strand, the complement: ARSA is on the minus strand). VCF-style: chr22-50626604-T-C. GRCh37 (hg19) VCF-style: chr22-51065032-T-C.
Other names: c.841A>G, p.Thr281Ala (NM_001085425.3, NM_001085426.3, NM_001085427.3); c.583A>G, p.Thr195Ala (NM_001085428.3, NM_001362782.2); short protein forms T195A, T281A.
Identifiers: ClinVar variation 3775999 (VCV003775999.1).

ClinVar aggregate classification (germline): Uncertain significance (1 of 4 stars; one submission).

Conditions:
Metachromatic leukodystrophy (MLD). Also called: Cerebral sclerosis diffuse metachromatic form; Arylsulfatase A Deficiency; METACHROMATIC LEUKOENCEPHALOPATHY; SULFATIDE LIPIDOSIS; ARSA DEFICIENCY; CEREBROSIDE SULFATASE DEFICIENCY. Identifiers: Orphanet 512, MedGen C0023522, MONDO:0018868, OMIM 250100.

Submission:

3billion
Classification: Uncertain significance for Metachromatic leukodystrophy. Last evaluated: 2023-10-18. Review status: criteria provided, single submitter. Criteria: ACMG Guidelines, 2015. Collection method: clinical testing. Allele origin: germline. Affected: yes.
Comment: The variant is not observed in the gnomAD v2.1.1 dataset. Predicted Consequence/Location: Missense variant In silico tool predictions suggest damaging effect of the variant on gene or gene product [REVEL: 0.75 (>=0.6, sensitivity 0.68 and specificity 0.92); 3Cnet: 0.99 (>=0.6, sensitivity 0.72 and precision 0.9)]. A different missense change at the same codon (p.Thr281Ile) has been reported as pathogenic/likely pathogenic with strong evidence (ClinVar ID: VCV001323931 /PMID: 17413447). Therefore, this variant is classified as VUS according to the recommendation of ACMG/AMP guideline.

Literature cited by the submitters: PubMed 17413447.